The following is an entry in ClinVar:

ClinVar aggregate classification (germline): Uncertain significance. Review status: criteria provided, multiple submitters, no conflicts (2 of 4 stars). 5 submissions from 5 submitters: Uncertain significance (5). Last evaluated 2025-11-17.

Conditions:
Hereditary nonpolyposis colorectal neoplasms. Identifiers: MedGen C0009405, MeSH D003123.
Hereditary cancer-predisposing syndrome. Also called: Tumor predisposition; Neoplastic Syndromes, Hereditary; Hereditary Cancer Syndrome; Hereditary neoplastic syndrome. Identifiers: Orphanet 140162, MedGen C0027672, MeSH D009386, MONDO:0015356.

Allele frequency attached by ClinVar (database versions not stated): gnomAD exomes below 0.00001; gnomAD 0.00001.

Submissions (5):

Labcorp Genetics (formerly Invitae), Labcorp
Classification: Uncertain significance for Hereditary nonpolyposis colorectal neoplasms. Last evaluated: 2025-11-17. Review status: criteria provided, single submitter. Criteria: Invitae Variant Classification Sherloc (09022015). Collection method: clinical testing. Allele origin: germline.
Comment: This sequence change replaces glutamine, which is neutral and polar, with glutamic acid, which is acidic and polar, at codon 727 of the PMS2 protein (p.Gln727Glu). The frequency data for this variant in the population databases (gnomAD) is considered unreliable due to the presence of homologous sequence, such as pseudogenes or paralogs, in the genome. This variant has not been reported in the literature in individuals affected with PMS2-related conditions. ClinVar contains an entry for this variant (Variation ID: 185475). Invitae Evidence Modeling incorporating data from in vitro experimental studies (internal data) indicates that this missense variant is not expected to disrupt PMS2 function with a negative predictive value of 95%. In summary, the available evidence is currently insufficient to determine the role of this variant in disease. Therefore, it has been classified as a Variant of Uncertain Significance.

Color Diagnostics, LLC DBA Color Health
Classification: Uncertain significance for Hereditary cancer-predisposing syndrome. Last evaluated: 2025-08-13. Review status: criteria provided, single submitter. Criteria: ACMG Guidelines, 2015. Collection method: clinical testing. Allele origin: germline.
Comment: This missense variant replaces glutamine with glutamic acid at codon 727 of the PMS2 protein. Computational prediction suggests that this variant may not impact protein structure and function. To our knowledge, functional studies have not been reported for this variant. This variant has been reported in an individual affected with early-onset colorectal cancer (PMID: 39656055) and in an individual affected with Lynch syndrome-associated cancer (PMID: 31391288). This variant has been identified in 1/229250 chromosomes in the general population by the Genome Aggregation Database (gnomAD). The available evidence is insufficient to determine the role of this variant in disease conclusively. Therefore, this variant is classified as a Variant of Uncertain Significance.

Quest Diagnostics Nichols Institute San Juan Capistrano
Classification: Uncertain significance. Last evaluated: 2025-04-25. Review status: criteria provided, single submitter. Criteria: Quest Diagnostics criteria. Collection method: clinical testing. Allele origin: unknown.
Comment: The PMS2 c.2179C>G (p.Gln727Glu) variant has been reported in the published literature in an individual with colorectal cancer (PMID: 39656055 (2024)). The frequency of this variant in the general population (Genome Aggregation Database) is uninformative in the assessment of its pathogenicity. Analysis of this variant using bioinformatics tools for the prediction of the effect of amino acid changes on protein structure and function yielded predictions that this variant is benign. Based on the available information, we are unable to determine the clinical significance of this variant.

CeGaT Center for Human Genetics Tuebingen
Classification: Uncertain significance. Last evaluated: 2024-11-01. Review status: criteria provided, single submitter. Criteria: CeGaT Center For Human Genetics Tuebingen Variant Classification Criteria Version 2. Collection method: clinical testing. Allele origin: germline. Affected: yes. Observed: 1 variant allele.
Comment: PMS2: PM2, PP2, BP4

Ambry Genetics
Classification: Uncertain significance for Hereditary cancer-predisposing syndrome. Last evaluated: 2024-09-25. Review status: criteria provided, single submitter. Criteria: Ambry Variant Classification Scheme 2023. Collection method: clinical testing. Allele origin: germline.
Comment: The p.Q727E variant (also known as c.2179C>G), located in coding exon 13 of the PMS2 gene, results from a C to G substitution at nucleotide position 2179. The glutamine at codon 727 is replaced by glutamic acid, an amino acid with highly similar properties. This amino acid position is highly conserved in available vertebrate species. In addition, the in silico prediction for this alteration is inconclusive. Since supporting evidence is limited at this time, the clinical significance of this alteration remains unclear.

Literature cited by the submitters: PubMed 31391288 (cited by Color Diagnostics, LLC DBA Color Health); PubMed 39656055 (cited by Color Diagnostics, LLC DBA Color Health and Quest Diagnostics Nichols Institute San Juan Capistrano); PubMed 32832836 (cited by Ambry Genetics).

NM_000535.7(PMS2):c.2179C>G (p.Gln727Glu)

Gene: PMS2 (PMS1 homolog 2, mismatch repair system component; minus strand). Cytogenetic location: 7p22.1.
Variant type: single nucleotide variant.
Coding change: c.2179C>G on transcript NM_000535.7 (MANE Select); coding-DNA position 2179, C replaced by G.
Protein change: p.Gln727Glu; replaces glutamine 727 with glutamic acid.
Molecular consequence: missense variant. On other transcripts: non-coding transcript variant (1).
Genome position (GRCh38, 1-based): chr7:5,978,692, G>C on the plus strand (C>G on the coding strand, the complement: PMS2 is on the minus strand). VCF-style: chr7-5978692-G-C. GRCh37 (hg19) VCF-style: chr7-6018323-G-C.
Other names: c.1774C>G, p.Gln592Glu (NM_001322003.2, NM_001322004.2, NM_001322005.2 and 1 more transcripts); c.2023C>G, p.Gln675Glu (NM_001322006.2); c.1861C>G, p.Gln621Glu (NM_001322007.2, NM_001322008.2); c.1618C>G, p.Gln540Glu (NM_001322010.2); c.1246C>G, p.Gln416Glu (NM_001322011.2, NM_001322012.2); c.1606C>G, p.Gln536Glu (NM_001322013.2); c.2179C>G, p.Gln727Glu (NM_001322014.2); c.1870C>G, p.Gln624Glu (NM_001322015.2); and 1 more; short protein forms Q727E, Q536E, Q621E, Q624E, Q540E, Q416E, Q592E, Q675E.
Identifiers: ClinVar variation 185475 (VCV000185475.31), dbSNP rs786202202, ClinGen allele CA010992.